The following is an entry in ClinVar:

NM_000553.6(WRN):c.859G>A (p.Asp287Asn)

Gene: WRN (WRN RecQ like helicase; plus strand). Cytogenetic location: 8p12.
Variant type: single nucleotide variant.
Coding change: c.859G>A on transcript NM_000553.6 (MANE Select); coding-DNA position 859, G replaced by A.
Protein change: p.Asp287Asn; replaces aspartic acid 287 with asparagine.
Molecular consequence: missense variant.
Genome position (GRCh38, 1-based): chr8:31,080,886, G>A. VCF-style: chr8-31080886-G-A. GRCh37 (hg19) VCF-style: chr8-30938402-G-A.
Other names: short protein forms D287N.
Identifiers: ClinVar variation 1487973 (VCV001487973.8), dbSNP rs1813276206, ClinGen allele CA370919648.

ClinVar aggregate classification (germline): Uncertain significance (1 of 4 stars; one submission).

Conditions:
Werner syndrome (WRN). Identifiers: Orphanet 902, MedGen C0043119, MONDO:0010196, OMIM 277700.

Allele frequency attached by ClinVar (database versions not stated): TOPMed below 0.00001.

Submission:

Labcorp Genetics (formerly Invitae), Labcorp
Classification: Uncertain significance for Werner syndrome. Last evaluated: 2021-07-12. Review status: criteria provided, single submitter. Criteria: Invitae Variant Classification Sherloc (09022015). Collection method: clinical testing. Allele origin: germline.
Comment: In summary, the available evidence is currently insufficient to determine the role of this variant in disease. Therefore, it has been classified as a Variant of Uncertain Significance. Algorithms developed to predict the effect of missense changes on protein structure and function output the following: SIFT: "Not Available"; PolyPhen-2: "Benign"; Align-GVGD: "Not Available". The asparagine amino acid residue is found in multiple mammalian species, which suggests that this missense change does not adversely affect protein function. This variant has not been reported in the literature in individuals affected with WRN-related conditions. This variant is not present in population databases (ExAC no frequency). This sequence change replaces aspartic acid with asparagine at codon 287 of the WRN protein (p.Asp287Asn). The aspartic acid residue is moderately conserved and there is a small physicochemical difference between aspartic acid and asparagine.